The following is an entry in ClinVar:

ClinVar aggregate classification (germline): Benign/Likely benign. Review status: criteria provided, multiple submitters, no conflicts (2 of 4 stars). 5 submissions from 5 submitters: Benign (4); Likely benign (1). Last evaluated 2025-02-18.

Conditions:
Quebec platelet disorder (QPD). Also called: FACTOR V QUEBEC; BLEEDING DISORDER, PLATELET-TYPE, 5. Identifiers: Orphanet 220436, MedGen C1866423, MONDO:0011136, OMIM 601709.

Allele frequency attached by ClinVar (database versions not stated): gnomAD exomes 0.00035 and 0.00099; ExAC 0.00128; ESP Exome Variant Server 0.00384; gnomAD 0.00393 and 0.00419; TOPMed 0.00420; 1000 Genomes Project 0.00579; 1000 Genomes Project 30x 0.00703.
gnomAD v4.1: 1,135 of 1,610,598 alleles (0.07%); highest among the groups gnomAD compares: African/African-American, 1.3%; 5 homozygotes.

Submissions (5):

Mayo Clinic Laboratories, Mayo Clinic
Classification: Benign. Last evaluated: 2025-02-18. Review status: criteria provided, single submitter. Criteria: ACMG Guidelines, 2015. Collection method: clinical testing. Allele origin: germline. Observed: 4 variant alleles.
Comment: BS1, BS2, BP4, BP7

Blueprint Genetics
Classification: Likely benign. Last evaluated: 2024-08-12. Review status: criteria provided, single submitter. Criteria: ACMG Guidelines, 2015. Collection method: clinical testing. Allele origin: germline.

Labcorp Genetics (formerly Invitae), Labcorp
Classification: Benign. Last evaluated: 2019-12-31. Review status: criteria provided, single submitter. Criteria: Invitae Variant Classification Sherloc (09022015). Collection method: clinical testing. Allele origin: germline.

Illumina Laboratory Services, Illumina
Classification: Benign for Quebec platelet disorder. Last evaluated: 2018-01-13. Review status: criteria provided, single submitter. Criteria: ICSL Variant Classification Criteria 13 December 2019. Collection method: clinical testing. Allele origin: germline.
Comment: This variant was observed in the ICSL laboratory as part of a predisposition screen in an ostensibly healthy population. It had not been previously curated by ICSL or reported in the Human Gene Mutation Database (HGMD: prior to June 1st, 2018), and was therefore a candidate for classification through an automated scoring system. Utilizing variant allele frequency, disease prevalence and penetrance estimates, and inheritance mode, an automated score was calculated to assess if this variant is too frequent to cause the disease. Based on the score and internal cut-off values, a variant classified as benign is not then subjected to further curation. The score for this variant resulted in a classification of benign for this disease.

Breakthrough Genomics
Classification: Benign. Review status: criteria provided, single submitter. Criteria: ACMG Guidelines, 2015. Collection method: not provided. Allele origin: germline. Inheritance: Autosomal dominant inheritance. Affected: yes.

NM_002658.6(PLAU):c.1092C>T (p.Asp364=)

Genes: C10orf55 (chromosome 10 putative open reading frame 55; minus strand), PLAU (plasminogen activator, urokinase; plus strand). Cytogenetic location: 10q22.2.
Variant type: single nucleotide variant.
Coding change: c.1092C>T on transcript NM_002658.6 (MANE Select); coding-DNA position 1092, C replaced by T.
Protein change: p.Asp364=; no amino-acid change (aspartic acid 364 retained).
Molecular consequence: synonymous variant.
Genome position (GRCh38, 1-based): chr10:73,915,372, C>T. VCF-style: chr10-73915372-C-T. GRCh37 (hg19) VCF-style: chr10-75675130-C-T.
Other names: p.Asp364=; c.1041C>T, p.Asp347= (NM_001145031.3); c.834C>T, p.Asp278= (NM_001319191.2); c.1092C>T (NM_002658.5).
Identifiers: ClinVar variation 300760 (VCV000300760.12), dbSNP rs148333167, ClinGen allele CA5562617.